The following is an entry in ClinVar:

NM_001042681.2(RERE):c.570A>G (p.Gln190=)

Gene: RERE (arginine-glutamic acid dipeptide repeats; minus strand). Cytogenetic location: 1p36.23.
Variant type: single nucleotide variant.
Coding change: c.570A>G on transcript NM_001042681.2 (MANE Select); coding-DNA position 570, A replaced by G.
Protein change: p.Gln190=; no amino-acid change (glutamine 190 retained).
Molecular consequence: synonymous variant.
Genome position (GRCh38, 1-based): chr1:8,557,476, T>C on the plus strand (A>G on the coding strand, the complement: RERE is on the minus strand). VCF-style: chr1-8557476-T-C. GRCh37 (hg19) VCF-style: chr1-8617535-T-C.
Other names: c.570A>G, p.Gln190= (NM_012102.4).
Identifiers: ClinVar variation 2070402 (VCV002070402.28), dbSNP rs759431173, ClinGen allele CA572055.

ClinVar aggregate classification (germline): Likely benign. Review status: criteria provided, multiple submitters, no conflicts (2 of 4 stars). 2 submissions from 2 submitters: Likely benign (2). Last evaluated 2025-03-16.

Allele frequency attached by ClinVar (database versions not stated): ExAC 0.00002; TOPMed 0.00007; gnomAD exomes 0.00008; gnomAD 0.00009.
gnomAD v4.1: 128 of 1,613,720 alleles (0.0079%); highest among the groups gnomAD compares: Non-Finnish European, 0.01%; no homozygotes.

Submissions (2):

Labcorp Genetics (formerly Invitae), Labcorp
Classification: Likely benign. Last evaluated: 2025-03-16. Review status: criteria provided, single submitter. Criteria: Invitae Variant Classification Sherloc (09022015). Collection method: clinical testing. Allele origin: germline.

CeGaT Center for Human Genetics Tuebingen
Classification: Likely benign. Last evaluated: 2025-01-01. Review status: criteria provided, single submitter. Criteria: CeGaT Center For Human Genetics Tuebingen Variant Classification Criteria Version 2. Collection method: clinical testing. Allele origin: germline. Affected: yes. Observed: 2 variant alleles.
Comment: RERE: BP4, BP7